The following is an entry in ClinVar:

NM_001291867.2(NHS):c.2330T>C (p.Phe777Ser)

Gene: NHS (NHS actin remodeling regulator; plus strand). Cytogenetic location: Xp22.13.
Variant type: single nucleotide variant.
Coding change: c.2330T>C on transcript NM_001291867.2 (MANE Select); coding-DNA position 2330, T replaced by C.
Protein change: p.Phe777Ser; replaces phenylalanine 777 with serine.
Molecular consequence: missense variant.
Genome position (GRCh38, 1-based): chrX:17,726,436, T>C. VCF-style: chrX-17726436-T-C. GRCh37 (hg19) VCF-style: chrX-17744556-T-C.
Other names: c.1799T>C, p.Phe600Ser (NM_001136024.4); c.1736T>C, p.Phe579Ser (NM_001291868.2); c.2267T>C, p.Phe756Ser (NM_198270.4); short protein forms F756S, F777S, F579S, F600S.
Identifiers: ClinVar variation 96636 (VCV000096636.23), dbSNP rs143081492, ClinGen allele CA149638.

ClinVar aggregate classification (germline): Benign/Likely benign. Review status: criteria provided, multiple submitters, no conflicts (2 of 4 stars). 10 submissions from 9 submitters: Benign (1); Likely benign (5). 4 of the submissions do not count toward it. Last evaluated 2026-01-11.

Conditions:
NHS-related disorder. Also called: NHS-related condition.
Nance-Horan syndrome (NHS). Identifiers: Orphanet 627, MedGen C0796085, MONDO:0010545, OMIM 302350.
Lymphedema. Also called: Lymphoedema. Identifiers: MedGen C0024236, MONDO:0019297, HP:0001004.
Intellectual disability. Also called: Intellectual functioning disability; Intellectual developmental disorder; intellectual disabilities. Identifiers: MedGen C3714756, MeSH D008607, MONDO:0001071, HP:0001249.

Allele frequency attached by ClinVar (database versions not stated): 1000 Genomes Project 30x 0.00021; TOPMed 0.00079; gnomAD 0.00085 and 0.00089; ExAC 0.00091; gnomAD exomes 0.00127 and 0.00079; ESP Exome Variant Server 0.00066.
gnomAD v4.1: 1,473 of 1,210,653 alleles (0.12%); highest among the groups gnomAD compares: Non-Finnish European, 0.15%; 1 homozygote.

Submissions (10):

Labcorp Genetics (formerly Invitae), Labcorp
Classification: Benign for Nance-Horan syndrome. Last evaluated: 2026-01-11. Review status: criteria provided, single submitter. Criteria: Invitae Variant Classification Sherloc (09022015). Collection method: clinical testing. Allele origin: germline.

Blueprint Genetics
Classification: Likely benign. Last evaluated: 2024-10-25. Review status: criteria provided, single submitter. Criteria: ACMG Guidelines, 2015. Collection method: clinical testing. Allele origin: germline.

Cambridge Genomics Laboratory, East Genomic Laboratory Hub, NHS Genomic Medicine Service
Classification: Likely benign for Lymphedema. Last evaluated: 2019-09-09. Review status: criteria provided, single submitter. Criteria: ACGS Best Practice Guidelines for Variant Classification in Rare Disease 2020. Collection method: clinical testing. Allele origin: germline. Affected: yes. Observed: 1 variant allele.

Cambridge Genomics Laboratory, East Genomic Laboratory Hub, NHS Genomic Medicine Service
Classification: Likely benign for Intellectual disability. Last evaluated: 2019-04-17. Review status: criteria provided, single submitter. Criteria: ACGS Best Practice Guidelines for Variant Classification in Rare Disease 2020. Collection method: clinical testing. Allele origin: germline. Affected: yes. Observed: 1 variant allele.

Eurofins Ntd Llc (ga)
Classification: Likely benign. Last evaluated: 2013-06-21. Review status: criteria provided, single submitter. Criteria: EGL Classification Definitions 2015. Collection method: clinical testing. Allele origin: germline. Observed: 3 variant alleles, 1 heterozygote, 2 hemizygotes.

Breakthrough Genomics
Classification: Likely benign. Review status: criteria provided, single submitter. Criteria: ACMG Guidelines, 2015. Collection method: not provided. Allele origin: germline. Inheritance: X-linked inheritance. Affected: yes.

PreventionGenetics, part of Exact Sciences
Classification: Likely benign for NHS-related condition. Last evaluated: 2022-01-31. Review status: no assertion criteria provided. Collection method: clinical testing. Allele origin: germline. Not counted in ClinVar's aggregate classification.
Comment: This variant is classified as likely benign based on ACMG/AMP sequence variant interpretation guidelines (Richards et al. 2015 PMID: 25741868, with internal and published modifications).

Clinical Genetics DNA and cytogenetics Diagnostics Lab, Erasmus MC, Erasmus Medical Center
Classification: Likely benign. Review status: no assertion criteria provided. Collection method: clinical testing. Allele origin: germline. Affected: yes. Study: VKGL Data-share Consensus. Not counted in ClinVar's aggregate classification.

Diagnostic Laboratory, Department of Genetics, University Medical Center Groningen
Classification: Likely benign. Review status: no assertion criteria provided. Collection method: clinical testing. Allele origin: germline. Affected: yes. Study: VKGL Data-share Consensus. Not counted in ClinVar's aggregate classification.

Laboratory of Diagnostic Genome Analysis, Leiden University Medical Center (LUMC)
Classification: Likely benign. Review status: no assertion criteria provided. Collection method: clinical testing. Allele origin: germline. Affected: yes. Study: VKGL Data-share Consensus. Not counted in ClinVar's aggregate classification.